The following is an entry in ClinVar:

NM_018979.4(WNK1):c.46C>G (p.Leu16Val)

Gene: WNK1 (WNK lysine deficient protein kinase 1; plus strand). Cytogenetic location: 12p13.33.
Variant type: single nucleotide variant.
Coding change: c.46C>G on transcript NM_018979.4 (MANE Select); coding-DNA position 46, C replaced by G.
Protein change: p.Leu16Val; replaces leucine 16 with valine.
Molecular consequence: missense variant.
Genome position (GRCh38, 1-based): chr12:753,611, C>G. VCF-style: chr12-753611-C-G. GRCh37 (hg19) VCF-style: chr12-862777-C-G.
Other names: c.46C>G, p.Leu16Val (NM_001184985.2, NM_014823.3, NM_213655.5); short protein forms L16V.
Identifiers: ClinVar variation 1481992 (VCV001481992.8), dbSNP rs1443431827, ClinGen allele CA383303446.

ClinVar aggregate classification (germline): Uncertain significance (1 of 4 stars; one submission).

Conditions:
Neuropathy, hereditary sensory and autonomic, type 2A (HSAN2A). Also called: ACROOSTEOLYSIS, GIACCAI TYPE; ACROOSTEOLYSIS, NEUROGENIC; MORVAN DISEASE; NEUROPATHY, CONGENITAL SENSORY; NEUROPATHY, HEREDITARY SENSORY RADICULAR, AUTOSOMAL RECESSIVE; NEUROPATHY, HEREDITARY SENSORY, TYPE IIA. Identifiers: Orphanet 970, MedGen C2752089, MONDO:0024309, OMIM 201300.
Pseudohypoaldosteronism type 2C (PHA2C). Also called: Pseudohypoaldosteronism Type IIC. Identifiers: Orphanet 757, Orphanet 88940, MedGen C1840391, MONDO:0013778, OMIM 614492.

Submission:

Labcorp Genetics (formerly Invitae), Labcorp
Classification: Uncertain significance for Neuropathy, hereditary sensory and autonomic, type 2A; Pseudohypoaldosteronism type 2C. Last evaluated: 2022-08-10. Review status: criteria provided, single submitter. Criteria: Invitae Variant Classification Sherloc (09022015). Collection method: clinical testing. Allele origin: germline.
Comment: This variant is not present in population databases (gnomAD no frequency). This sequence change replaces leucine, which is neutral and non-polar, with valine, which is neutral and non-polar, at codon 16 of the WNK1 protein (p.Leu16Val). This variant has not been reported in the literature in individuals affected with WNK1-related conditions. ClinVar contains an entry for this variant (Variation ID: 1481992). Advanced modeling of protein sequence and biophysical properties (such as structural, functional, and spatial information, amino acid conservation, physicochemical variation, residue mobility, and thermodynamic stability) performed at Invitae indicates that this missense variant is not expected to disrupt WNK1 protein function. In summary, the available evidence is currently insufficient to determine the role of this variant in disease. Therefore, it has been classified as a Variant of Uncertain Significance.